The following is an entry in ClinVar:

ClinVar aggregate classification (germline): Uncertain significance (1 of 4 stars; one submission).

Submission:

Labcorp Genetics (formerly Invitae), Labcorp
Classification: Uncertain significance. Last evaluated: 2022-03-18. Review status: criteria provided, single submitter. Criteria: Invitae Variant Classification Sherloc (09022015). Collection method: clinical testing. Allele origin: germline.
Comment: This sequence change falls in intron 24 of the HYOU1 gene. It does not directly change the encoded amino acid sequence of the HYOU1 protein. This variant is not present in population databases (gnomAD no frequency). This variant has not been reported in the literature in individuals affected with HYOU1-related conditions. Experimental studies and prediction algorithms are not available or were not evaluated, and the effect of this variant on mRNA splicing is currently unknown. In summary, the available evidence is currently insufficient to determine the role of this variant in disease. Therefore, it has been classified as a Variant of Uncertain Significance.

NM_006389.5(HYOU1):c.2888-18_2888-14del

Gene: HYOU1 (hypoxia up-regulated 1; minus strand). Cytogenetic location: 11q23.3.
Variant type: Deletion.
Coding change: c.2888-18_2888-14del on transcript NM_006389.5 (MANE Select); 18 bases into the intron before coding-DNA position 2888 through 14 bases into the intron before coding-DNA position 2888, 5 bases deleted (TGTTT; older notation c.2888-18_2888-14delTGTTT).
Molecular consequence: intron variant.
Genome position (GRCh38, 1-based): chr11:119,045,845-119,045,849, AAACA deleted on the plus strand (TGTTT on the coding strand, the reverse complement: HYOU1 is on the minus strand). VCF-style (leftmost placement, unchanged base first): chr11-119045844-GAAACA-G. GRCh37 (hg19) VCF-style: chr11-118916556-GAAACA-G.
Other names: c.2888-18_2888-14del (NM_001130991.3).
Identifiers: ClinVar variation 2114023 (VCV002114023.4), dbSNP rs781979070, ClinGen allele CA229615961.